The following is an entry in ClinVar:

ClinVar aggregate classification (germline): Conflicting classifications of pathogenicity. Review status: criteria provided, conflicting classifications (1 of 4 stars). 6 submissions from 6 submitters: Pathogenic (1); Likely pathogenic (4); Uncertain significance (1). Last evaluated 2026-09-21.

Conditions:
CEP164-related disorder. Also called: CEP164-related condition.
Nephronophthisis 15 (NPHP15). Identifiers: Orphanet 3156, MedGen C3541853, MONDO:0013917, OMIM 614845.

Allele frequency attached by ClinVar (database versions not stated): gnomAD 0.00002; TOPMed 0.00002.
gnomAD v4.1: 28 of 1,614,018 alleles (0.0017%); highest among the groups gnomAD compares: Non-Finnish European, 0.0023%; no homozygotes.

Submissions (6):

PreventionGenetics, part of Exact Sciences
Classification: Likely pathogenic for CEP164-related condition. Last evaluated: 2026-09-21. Review status: criteria provided, single submitter. Criteria: ACMG Guidelines, 2015. Collection method: clinical testing. Allele origin: germline.
Comment: The CEP164 c.901C>T variant is predicted to result in premature protein termination (p.Arg301*). To our knowledge, this variant has not been reported in any individuals affected with a CEP164-related disorder. This variant is present in 0.0026% of alleles in individuals of European (Non-Finnish) descent in gnomAD. Nonsense variants in CEP164 are an established mechanism of disease. This variant is interpreted as likely pathogenic.

Labcorp Genetics (formerly Invitae), Labcorp
Classification: Pathogenic for Nephronophthisis 15. Last evaluated: 2025-12-20. Review status: criteria provided, single submitter. Criteria: Invitae Variant Classification Sherloc (09022015). Collection method: clinical testing. Allele origin: germline.
Comment: This sequence change creates a premature translational stop signal (p.Arg301*) in the CEP164 gene. It is expected to result in an absent or disrupted protein product. Loss-of-function variants in CEP164 are known to be pathogenic (PMID: 22863007, 28125082, 32367404, 34132027, 34499853). This variant is present in population databases (rs780849567, gnomAD 0.003%). This variant has not been reported in the literature in individuals affected with CEP164-related conditions. ClinVar contains an entry for this variant (Variation ID: 501891). For these reasons, this variant has been classified as Pathogenic.

Fulgent Genetics
Classification: Likely pathogenic for Nephronophthisis 15. Last evaluated: 2024-03-23. Review status: criteria provided, single submitter. Criteria: ACMG Guidelines, 2015. Collection method: clinical testing. Allele origin: germline.

GeneDx
Classification: Likely pathogenic. Last evaluated: 2023-10-23. Review status: criteria provided, single submitter. Criteria: GeneDx Variant Classification Process June 2021. Collection method: clinical testing. Allele origin: germline. Affected: yes.
Comment: Nonsense variant predicted to result in protein truncation or nonsense mediated decay in a gene for which loss of function is a known mechanism of disease; Not observed at significant frequency in large population cohorts (gnomAD); This variant is associated with the following publications: (PMID: 31964843)

Blueprint Genetics
Classification: Likely pathogenic for CEP164-related disorders. Last evaluated: 2022-11-24. Review status: criteria provided, single submitter. Criteria: ACMG Guidelines, 2015. Collection method: clinical testing. Allele origin: germline. Affected: yes. Observed: 2 variant alleles.

Eurofins Ntd Llc (ga)
Classification: Uncertain significance. Last evaluated: 2017-05-08. Review status: criteria provided, single submitter. Criteria: EGL Classification Definitions 2015. Collection method: clinical testing. Allele origin: germline. Observed: 1 variant allele, 1 heterozygote.

Literature cited by the submitters: PubMed 22863007 (cited by Labcorp Genetics (formerly Invitae), Labcorp); PubMed 28125082 (cited by Labcorp Genetics (formerly Invitae), Labcorp); PubMed 32367404 (cited by Labcorp Genetics (formerly Invitae), Labcorp); PubMed 34132027 (cited by Labcorp Genetics (formerly Invitae), Labcorp); PubMed 34499853 (cited by Labcorp Genetics (formerly Invitae), Labcorp).

NM_014956.5(CEP164):c.901C>T (p.Arg301Ter)

Gene: CEP164 (centrosomal protein 164; plus strand). Cytogenetic location: 11q23.3.
Variant type: single nucleotide variant.
Coding change: c.901C>T on transcript NM_014956.5 (MANE Select); coding-DNA position 901, C replaced by T.
Protein change: p.Arg301Ter; replaces arginine 301 with a stop codon.
Molecular consequence: nonsense.
Genome position (GRCh38, 1-based): chr11:117,371,215, C>T. VCF-style: chr11-117371215-C-T. GRCh37 (hg19) VCF-style: chr11-117241931-C-T.
Other names: c.901C>T, p.Arg301Ter (NM_001271933.2); short protein forms R301*.
Identifiers: ClinVar variation 501891 (VCV000501891.17), dbSNP rs780849567, ClinGen allele CA6294612.